The following is an entry in ClinVar:

ClinVar aggregate classification (germline): Uncertain significance (1 of 4 stars; one submission).

Submission:

Labcorp Genetics (formerly Invitae), Labcorp
Classification: Uncertain significance. Last evaluated: 2022-05-12. Review status: criteria provided, single submitter. Criteria: Invitae Variant Classification Sherloc (09022015). Collection method: clinical testing. Allele origin: germline.
Comment: This sequence change replaces alanine, which is neutral and non-polar, with valine, which is neutral and non-polar, at codon 33 of the AMER1 protein (p.Ala33Val). In summary, the available evidence is currently insufficient to determine the role of this variant in disease. Therefore, it has been classified as a Variant of Uncertain Significance. Algorithms developed to predict the effect of missense changes on protein structure and function output the following: SIFT: "Tolerated"; PolyPhen-2: "Benign"; Align-GVGD: "Class C0". The valine amino acid residue is found in multiple mammalian species, which suggests that this missense change does not adversely affect protein function. This variant has not been reported in the literature in individuals affected with AMER1-related conditions. This variant is not present in population databases (gnomAD no frequency).

NM_152424.4(AMER1):c.98C>T (p.Ala33Val)

Gene: AMER1 (APC membrane recruitment protein 1; minus strand). Cytogenetic location: Xq11.2.
Variant type: single nucleotide variant.
Coding change: c.98C>T on transcript NM_152424.4 (MANE Select); coding-DNA position 98, C replaced by T.
Protein change: p.Ala33Val; replaces alanine 33 with valine.
Molecular consequence: missense variant.
Genome position (GRCh38, 1-based): chrX:64,193,189, G>A on the plus strand (C>T on the coding strand, the complement: AMER1 is on the minus strand). VCF-style: chrX-64193189-G-A. GRCh37 (hg19) VCF-style: chrX-63413069-G-A.
Other names: short protein forms A33V.
Identifiers: ClinVar variation 1993734 (VCV001993734.4), dbSNP rs768534964, ClinGen allele CA413313723.